The following is an entry in ClinVar:

NM_000214.3(JAG1):c.811T>G (p.Cys271Gly)

Gene: JAG1 (jagged canonical Notch ligand 1; minus strand). Cytogenetic location: 20p12.2.
Variant type: single nucleotide variant.
Coding change: c.811T>G on transcript NM_000214.3 (MANE Select); coding-DNA position 811, T replaced by G.
Protein change: p.Cys271Gly; replaces cysteine 271 with glycine.
Molecular consequence: missense variant.
Genome position (GRCh38, 1-based): chr20:10,652,543, A>C on the plus strand (T>G on the coding strand, the complement: JAG1 is on the minus strand). VCF-style: chr20-10652543-A-C. GRCh37 (hg19) VCF-style: chr20-10633191-A-C.
Other names: short protein forms C271G.
Identifiers: ClinVar variation 3573106 (VCV003573106.2).

Conditions:
Arteriohepatic dysplasia. Also called: Alagille Syndrome. Identifiers: Orphanet 52, MedGen C0085280, MeSH D016738, MONDO:0007318.

Submission:

Gilbert/Spinner Lab, Children's Hospital of Philadelphia
No classification provided (evidence only). Condition: Alagille syndrome. Review status: no classification provided. Collection method: research. Allele origin: not applicable. Functional consequence: functionally_abnormal.
ClinVar note: "not provided" was previously submitted as the classification for the variant. However, the classification appeared to be based only on an observation of functional data so it was converted to no classification on 2025-07-30.